The following is an entry in ClinVar:

NM_021102.4(SPINT2):c.696G>T (p.Leu232=)

Gene: SPINT2 (serine peptidase inhibitor, Kunitz type 2; plus strand). Cytogenetic location: 19q13.2.
Variant type: single nucleotide variant.
Coding change: c.696G>T on transcript NM_021102.4 (MANE Select); coding-DNA position 696, G replaced by T.
Protein change: p.Leu232=; no amino-acid change (leucine 232 retained).
Molecular consequence: synonymous variant.
Genome position (GRCh38, 1-based): chr19:38,291,943, G>T. VCF-style: chr19-38291943-G-T. GRCh37 (hg19) VCF-style: chr19-38782583-G-T.
Other names: c.696G>T (NM_021102.3); c.525G>T, p.Leu175= (NM_001166103.2).
Identifiers: ClinVar variation 2078470 (VCV002078470.7), dbSNP rs764287916, ClinGen allele CA9411597.

ClinVar aggregate classification (germline): Likely benign. Review status: criteria provided, multiple submitters, no conflicts (2 of 4 stars). 3 submissions from 3 submitters: Likely benign (2). 1 of the submissions does not count toward it. Last evaluated 2025-12-30.

Conditions:
SPINT2-related disorder. Also called: SPINT2-related condition.

Allele frequency attached by ClinVar (database versions not stated): ExAC 0.00002; TOPMed 0.00004; gnomAD exomes 0.00006; gnomAD 0.00008.
gnomAD v4.1: 95 of 1,614,132 alleles (0.0059%); highest among the groups gnomAD compares: Middle Eastern, 0.066%; no homozygotes.

Submissions (3):

Labcorp Genetics (formerly Invitae), Labcorp
Classification: Likely benign. Last evaluated: 2025-12-30. Review status: criteria provided, single submitter. Criteria: Invitae Variant Classification Sherloc (09022015). Collection method: clinical testing. Allele origin: germline.

Blueprint Genetics
Classification: Likely benign. Last evaluated: 2024-08-28. Review status: criteria provided, single submitter. Criteria: ACMG Guidelines, 2015. Collection method: clinical testing. Allele origin: germline.

PreventionGenetics, part of Exact Sciences
Classification: Likely benign for SPINT2-related condition. Last evaluated: 2019-09-19. Review status: no assertion criteria provided. Collection method: clinical testing. Allele origin: germline. Not counted in ClinVar's aggregate classification.
Comment: This variant is classified as likely benign based on ACMG/AMP sequence variant interpretation guidelines (Richards et al. 2015 PMID: 25741868, with internal and published modifications).